The following is an entry in ClinVar:

ClinVar aggregate classification (germline): Likely benign. Review status: criteria provided, multiple submitters, no conflicts (2 of 4 stars). 6 submissions from 6 submitters: Likely benign (6). Last evaluated 2025-11-17.

Conditions:
Cardiovascular phenotype. Identifiers: MedGen CN230736.
RASopathy. Also called: Noonan spectrum disorder; rasopathies. Identifiers: Orphanet 536391, MedGen C5555857, MONDO:0021060.

Allele frequency attached by ClinVar (database versions not stated): TOPMed 0.00001; gnomAD 0.00003 and 0.00005; gnomAD exomes 0.00006 and 0.00014; ExAC 0.00010.
gnomAD v4.1: 96 of 1,614,054 alleles (0.0059%); highest among the groups gnomAD compares: South Asian, 0.093%; 1 homozygote.

Submissions (6):

Labcorp Genetics (formerly Invitae), Labcorp
Classification: Likely benign for RASopathy. Last evaluated: 2025-11-17. Review status: criteria provided, single submitter. Criteria: Invitae Variant Classification Sherloc (09022015). Collection method: clinical testing. Allele origin: germline.

Women's Health and Genetics/Laboratory Corporation of America, LabCorp
Classification: Likely benign. Last evaluated: 2025-05-05. Review status: criteria provided, single submitter. Criteria: LabCorp Variant Classification Summary - May 2015. Collection method: clinical testing. Allele origin: germline.

CeGaT Center for Human Genetics Tuebingen
Classification: Likely benign. Last evaluated: 2024-06-01. Review status: criteria provided, single submitter. Criteria: CeGaT Center For Human Genetics Tuebingen Variant Classification Criteria Version 2. Collection method: clinical testing. Allele origin: germline. Affected: yes. Observed: 1 variant allele.
Comment: CBL: BP4, BP7, BS1

Blueprint Genetics
Classification: Likely benign. Last evaluated: 2024-05-22. Review status: criteria provided, single submitter. Criteria: ACMG Guidelines, 2015. Collection method: clinical testing. Allele origin: germline.

Ambry Genetics
Classification: Likely benign for Cardiovascular phenotype. Last evaluated: 2022-05-30. Review status: criteria provided, single submitter. Criteria: Ambry Variant Classification Scheme 2023. Collection method: clinical testing. Allele origin: germline.

Genetic Services Laboratory, University of Chicago
Classification: Likely benign. Last evaluated: 2020-12-16. Review status: criteria provided, single submitter. Criteria: ACMG Guidelines, 2015. Collection method: clinical testing. Allele origin: germline. Affected: no.

NM_005188.4(CBL):c.2691C>T (p.Ser897=)

Gene: CBL (Cbl proto-oncogene; plus strand). Cytogenetic location: 11q23.3.
Variant type: single nucleotide variant.
Coding change: c.2691C>T on transcript NM_005188.4 (MANE Select); coding-DNA position 2691, C replaced by T.
Protein change: p.Ser897=; no amino-acid change (serine 897 retained).
Molecular consequence: synonymous variant.
Genome position (GRCh38, 1-based): chr11:119,299,751, C>T. VCF-style: chr11-119299751-C-T. GRCh37 (hg19) VCF-style: chr11-119170461-C-T.
Identifiers: ClinVar variation 413348 (VCV000413348.32), dbSNP rs762560254, ClinGen allele CA6318827.